The following is an entry in ClinVar:

NM_000516.7(GNAS):c.679C>T (p.Gln227Ter)

Gene: GNAS (GNAS complex locus; plus strand). Cytogenetic location: 20q13.32.
Variant type: single nucleotide variant.
Coding change: c.679C>T on transcript NM_000516.7 (MANE Select); coding-DNA position 679, C replaced by T.
Protein change: p.Gln227Ter; replaces glutamine 227 with a stop codon.
Molecular consequence: nonsense. On other transcripts: 3 prime UTR variant (2).
Genome position (GRCh38, 1-based): chr20:58,909,540, C>T. VCF-style: chr20-58909540-C-T. GRCh37 (hg19) VCF-style: chr20-57484595-C-T.
Other names: c.682C>T, p.Gln228Ter (NM_001077488.5); c.634C>T, p.Gln212Ter (NM_001077489.4); c.*540C>T (NM_001077490.3); c.502C>T, p.Gln168Ter (NM_001309840.2, NM_001309861.2); c.*585C>T (NM_016592.5); c.2608C>T, p.Gln870Ter (NM_080425.4); c.637C>T, p.Gln213Ter (NM_080426.4); short protein forms Q870*, Q168*, Q212*, Q213*, Q227*, Q228*.
Identifiers: ClinVar variation 1459843 (VCV001459843.6), dbSNP rs797045203, ClinGen allele CA409452301.

ClinVar aggregate classification (germline): Pathogenic (1 of 4 stars; one submission).

Submission:

Labcorp Genetics (formerly Invitae), Labcorp
Classification: Pathogenic. Last evaluated: 2022-02-10. Review status: criteria provided, single submitter. Criteria: Invitae Variant Classification Sherloc (09022015). Collection method: clinical testing. Allele origin: germline.
Comment: For these reasons, this variant has been classified as Pathogenic. This premature translational stop signal has been observed in individual(s) with pseudohypoparathyroidism type Ia (PMID: 23884777). This variant is not present in population databases (gnomAD no frequency). This sequence change creates a premature translational stop signal (p.Gln227*) in the GNAS gene. It is expected to result in an absent or disrupted protein product. Loss-of-function variants in GNAS are known to be pathogenic (PMID: 11784876, 23281139, 23796510, 25802881).

Literature cited by the submitters: PubMed 23884777; PubMed 11784876; PubMed 23281139; PubMed 23796510; PubMed 25802881.